The following is an entry in ClinVar:

NM_001374828.1(ARID1B):c.6150C>G (p.Asp2050Glu)

Gene: ARID1B (AT-rich interaction domain 1B; plus strand). Cytogenetic location: 6q25.3.
Variant type: single nucleotide variant.
Coding change: c.6150C>G on transcript NM_001374828.1 (MANE Select); coding-DNA position 6150, C replaced by G.
Protein change: p.Asp2050Glu; replaces aspartic acid 2050 with glutamic acid.
Molecular consequence: missense variant.
Genome position (GRCh38, 1-based): chr6:157,206,922, C>G. VCF-style: chr6-157206922-C-G. GRCh37 (hg19) VCF-style: chr6-157528056-C-G.
Other names: c.3651C>G, p.Asp1217Glu (NM_001363725.2); c.6030C>G, p.Asp2010Glu (NM_001371656.1, NM_001374820.1); c.5991C>G, p.Asp1997Glu (NM_017519.3); c.5781C>G (NM_020732.3); short protein forms D1997E, D2050E, D1217E, D2010E.
Identifiers: ClinVar variation 871032 (VCV000871032.46), dbSNP rs779936373, ClinGen allele CA4067963.

ClinVar aggregate classification (germline): Uncertain significance. Review status: criteria provided, multiple submitters, no conflicts (2 of 4 stars). 3 submissions from 3 submitters: Uncertain significance (3). Last evaluated 2024-11-11.

Allele frequency attached by ClinVar (database versions not stated): ExAC 0.00001.
gnomAD v4.1: 23 of 1,614,052 alleles (0.0014%); highest among the groups gnomAD compares: Non-Finnish European, 0.0019%; no homozygotes.

Submissions (3):

Labcorp Genetics (formerly Invitae), Labcorp
Classification: Uncertain significance. Last evaluated: 2024-11-11. Review status: criteria provided, single submitter. Criteria: Invitae Variant Classification Sherloc (09022015). Collection method: clinical testing. Allele origin: germline.
Comment: This sequence change replaces aspartic acid, which is acidic and polar, with glutamic acid, which is acidic and polar, at codon 1927 of the ARID1B protein (p.Asp1927Glu). This variant is present in population databases (rs779936373, gnomAD 0.0008%). This variant has not been reported in the literature in individuals affected with ARID1B-related conditions. ClinVar contains an entry for this variant (Variation ID: 871032). Invitae Evidence Modeling of protein sequence and biophysical properties (such as structural, functional, and spatial information, amino acid conservation, physicochemical variation, residue mobility, and thermodynamic stability) indicates that this missense variant is not expected to disrupt ARID1B protein function with a negative predictive value of 80%. In summary, the available evidence is currently insufficient to determine the role of this variant in disease. Therefore, it has been classified as a Variant of Uncertain Significance.

GeneDx
Classification: Uncertain significance. Last evaluated: 2022-09-23. Review status: criteria provided, single submitter. Criteria: GeneDx Variant Classification Process June 2021. Collection method: clinical testing. Allele origin: germline. Affected: yes.
Comment: In silico analysis supports that this missense variant has a deleterious effect on protein structure/function; Has not been previously published as pathogenic or benign to our knowledge

CeGaT Center for Human Genetics Tuebingen
Classification: Uncertain significance. Last evaluated: 2020-06-01. Review status: criteria provided, single submitter. Criteria: CeGaT Center For Human Genetics Tuebingen Variant Classification Criteria Version 2. Collection method: clinical testing. Allele origin: germline. Affected: yes. Observed: 3 variant alleles.